The following is an entry in ClinVar:

NM_152564.5(VPS13B):c.4436A>G (p.Tyr1479Cys)

Gene: VPS13B (vacuolar protein sorting 13 homolog B; plus strand). Cytogenetic location: 8q22.2.
Variant type: single nucleotide variant.
Coding change: c.4436A>G on transcript NM_152564.5 (MANE Select); coding-DNA position 4436, A replaced by G.
Protein change: p.Tyr1479Cys; replaces tyrosine 1479 with cysteine.
Molecular consequence: missense variant.
Genome position (GRCh38, 1-based): chr8:99,511,315, A>G. VCF-style: chr8-99511315-A-G. GRCh37 (hg19) VCF-style: chr8-100523543-A-G.
Other names: c.4511A>G, p.Tyr1504Cys (NM_017890.5); short protein forms Y1479C, Y1504C.
Identifiers: ClinVar variation 4978762 (VCV004978762.1).

ClinVar aggregate classification (germline): Uncertain significance (1 of 4 stars; one submission).

Conditions:
VPS13B-related disorder. Also called: VPS13B-related condition.

gnomAD v4.1: 1 of 1,613,706 alleles (0.000062%); highest among the groups gnomAD compares: African/African-American, 0.0013%; no homozygotes.

Submission:

PreventionGenetics, part of Exact Sciences
Classification: Uncertain significance for VPS13B-related condition. Last evaluated: 2026-09-16. Review status: criteria provided, single submitter. Criteria: ACMG Guidelines, 2015. Collection method: clinical testing. Allele origin: germline.
Comment: The VPS13B c.4436A>G variant is predicted to result in the amino acid substitution p.Tyr1479Cys. To our knowledge, this variant has not been reported in the literature or in a large population database (gnomAD), indicating this variant is rare. At this time, the clinical significance of this variant is uncertain due to the absence of conclusive functional and genetic evidence.